The following is an entry in ClinVar:

ClinVar aggregate classification (germline): Uncertain significance (1 of 4 stars; one submission).

Allele frequency attached by ClinVar (database versions not stated): gnomAD exomes 0.00003 and 0.00010; TOPMed 0.00003; ExAC 0.00017.
gnomAD v4.1: 42 of 1,590,608 alleles (0.0026%); highest among the groups gnomAD compares: Middle Eastern, 0.45%; no homozygotes.

Submission:

Labcorp Genetics (formerly Invitae), Labcorp
Classification: Uncertain significance. Last evaluated: 2021-11-10. Review status: criteria provided, single submitter. Criteria: Invitae Variant Classification Sherloc (09022015). Collection method: clinical testing. Allele origin: germline.
Comment: This sequence change replaces serine, which is neutral and polar, with arginine, which is basic and polar, at codon 4284 of the PCLO protein (p.Ser4284Arg). This variant is present in population databases (rs767027103, gnomAD 0.01%). This variant has not been reported in the literature in individuals affected with PCLO-related conditions. Algorithms developed to predict the effect of missense changes on protein structure and function are either unavailable or do not agree on the potential impact of this missense change (SIFT: "Tolerated"; PolyPhen-2: "Not Available"; Align-GVGD: "Class C0"). In summary, the available evidence is currently insufficient to determine the role of this variant in disease. Therefore, it has been classified as a Variant of Uncertain Significance.

NM_033026.6(PCLO):c.12852T>A (p.Ser4284Arg)

Gene: PCLO (piccolo presynaptic cytomatrix protein; minus strand). Cytogenetic location: 7q21.11.
Variant type: single nucleotide variant.
Coding change: c.12852T>A on transcript NM_033026.6 (MANE Select); coding-DNA position 12852, T replaced by A.
Protein change: p.Ser4284Arg; replaces serine 4284 with arginine.
Molecular consequence: missense variant.
Genome position (GRCh38, 1-based): chr7:82,915,134, A>T on the plus strand (T>A on the coding strand, the complement: PCLO is on the minus strand). VCF-style: chr7-82915134-A-T. GRCh37 (hg19) VCF-style: chr7-82544450-A-T.
Other names: c.12852T>A, p.Ser4284Arg (NM_014510.3); short protein forms S4284R.
Identifiers: ClinVar variation 1475186 (VCV001475186.3), dbSNP rs767027103, ClinGen allele CA4319294.